The following is an entry in ClinVar:

NM_024963.6(FBXL18):c.1317G>T (p.Pro439=)

Gene: FBXL18 (F-box and leucine rich repeat protein 18; minus strand). Cytogenetic location: 7p22.1.
Variant type: single nucleotide variant.
Coding change: c.1317G>T on transcript NM_024963.6 (MANE Select); coding-DNA position 1317, G replaced by T.
Protein change: p.Pro439=; no amino-acid change (proline 439 retained).
Molecular consequence: synonymous variant.
Genome position (GRCh38, 1-based): chr7:5,500,952, C>A on the plus strand (G>T on the coding strand, the complement: FBXL18 is on the minus strand). VCF-style: chr7-5500952-C-A. GRCh37 (hg19) VCF-style: chr7-5540583-C-A.
Other names: c.1317G>T, p.Pro439= (NM_001321213.2, NM_001363441.2, NM_001363442.2); c.1017G>T, p.Pro339= (NM_001367780.1, NM_001367781.1).
Identifiers: ClinVar variation 4820967 (VCV004820967.4).

ClinVar aggregate classification (germline): Likely benign (1 of 4 stars; one submission).

Submission:

CeGaT Center for Human Genetics Tuebingen
Classification: Likely benign. Last evaluated: 2026-01-01. Review status: criteria provided, single submitter. Criteria: CeGaT Center For Human Genetics Tuebingen Variant Classification Criteria Version 2. Collection method: clinical testing. Allele origin: germline. Affected: yes. Observed: 1 variant allele.
Comment: FBXL18: PM2:Supporting, BP4, BP7